The following is an entry in ClinVar:

ClinVar aggregate classification (germline): Uncertain significance (1 of 4 stars; one submission).

Conditions:
POLD1-related polyposis and colorectal cancer syndrome (CRCS10). Also called: Colorectal cancer 10; COLORECTAL CANCER, SUSCEPTIBILITY TO, ON CHROMOSOME 19q; Colorectal cancer, susceptibility to, 10. Identifiers: Orphanet 220460, MedGen C2675481, MONDO:0012953, OMIM 612591.

Submission:

Labcorp Genetics (formerly Invitae), Labcorp
Classification: Uncertain significance for POLD1-related polyposis and colorectal cancer syndrome. Last evaluated: 2023-11-24. Review status: criteria provided, single submitter. Criteria: Invitae Variant Classification Sherloc (09022015). Collection method: clinical testing. Allele origin: germline.
Comment: This sequence change replaces proline, which is neutral and non-polar, with leucine, which is neutral and non-polar, at codon 72 of the POLD1 protein (p.Pro72Leu). This variant is not present in population databases (gnomAD no frequency). This variant has not been reported in the literature in individuals affected with POLD1-related conditions. ClinVar contains an entry for this variant (Variation ID: 945937). Advanced modeling of protein sequence and biophysical properties (such as structural, functional, and spatial information, amino acid conservation, physicochemical variation, residue mobility, and thermodynamic stability) performed at Invitae indicates that this missense variant is not expected to disrupt POLD1 protein function with a negative predictive value of 80%. In summary, the available evidence is currently insufficient to determine the role of this variant in disease. Therefore, it has been classified as a Variant of Uncertain Significance.

NM_002691.4(POLD1):c.215C>T (p.Pro72Leu)

Gene: POLD1 (DNA polymerase delta 1, catalytic subunit; plus strand). Cytogenetic location: 19q13.33.
Variant type: single nucleotide variant.
Coding change: c.215C>T on transcript NM_002691.4 (MANE Select); coding-DNA position 215, C replaced by T.
Protein change: p.Pro72Leu; replaces proline 72 with leucine.
Molecular consequence: missense variant. On other transcripts: non-coding transcript variant (1).
Genome position (GRCh38, 1-based): chr19:50,399,383, C>T. VCF-style: chr19-50399383-C-T. GRCh37 (hg19) VCF-style: chr19-50902640-C-T.
Other names: c.215C>T, p.Pro72Leu (NM_001256849.1, NM_001308632.1); short protein forms P72L.
Identifiers: ClinVar variation 945937 (VCV000945937.7), dbSNP rs2038496868, ClinGen allele CA406970402.